The following is an entry in ClinVar:

ClinVar aggregate classification (germline): Uncertain significance (1 of 4 stars; one submission).

Conditions:
Gastrointestinal defects and immunodeficiency syndrome 1 (GIDID1). Also called: Combined immunodeficiency-enteropathy spectrum. Identifiers: Orphanet 436252, MedGen C5968858, MONDO:0800030, OMIM 243150.

gnomAD v4.1: 7 of 1,608,662 alleles (0.00044%); highest among the groups gnomAD compares: African/African-American, 0.0027%; no homozygotes.

Submission:

Dasa
Classification: Uncertain significance for Gastrointestinal defects and immunodeficiency syndrome 1. Last evaluated: 2025-11-12. Review status: criteria provided, single submitter. Criteria: DASA Assertion Criteria. Collection method: clinical testing. Allele origin: germline.
Comment: NM_020458.4(TTC7A):c.2575T>A (p.*859Argext*39) is a nonsense variant in TTC7A predicted to introduce a premature termination codon. This variant is rare in population databases. The currently available literature and clinical evidence are not sufficient to establish a definitive association between this variant and the reported condition. Therefore, this variant is classified as a variant of uncertain significance.

NM_020458.4(TTC7A):c.2575T>A (p.Ter859Arg)

Gene: TTC7A (tetratricopeptide repeat domain 7A; plus strand). Cytogenetic location: 2p21.
Variant type: single nucleotide variant.
Coding change: c.2575T>A on transcript NM_020458.4 (MANE Select); coding-DNA position 2575, T replaced by A.
Protein change: p.Ter859Arg.
Molecular consequence: stop lost.
Genome position (GRCh38, 1-based): chr2:47,073,921, T>A. VCF-style: chr2-47073921-T-A. GRCh37 (hg19) VCF-style: chr2-47301060-T-A.
Other names: c.2647T>A, p.Ter883Arg (NM_001288951.2); c.2473T>A, p.Ter825Arg (NM_001288953.2); c.1513T>A, p.Ter505Arg (NM_001288955.2).
Identifiers: ClinVar variation 4881837 (VCV004881837.2).